The following is an entry in ClinVar:

ClinVar aggregate classification (germline): Conflicting classifications of pathogenicity. Review status: criteria provided, conflicting classifications (1 of 4 stars). 2 submissions from 2 submitters: Uncertain significance (1); Likely benign (1). Last evaluated 2026-01-26.

Conditions:
Inborn genetic diseases. Identifiers: MedGen C0950123, MeSH D030342.

Allele frequency attached by ClinVar (database versions not stated): ExAC 0.00001; TOPMed 0.00025; gnomAD 0.00036.
gnomAD v4.1: 107 of 1,612,482 alleles (0.0066%); highest among the groups gnomAD compares: Admixed American, 0.17%; no homozygotes.

Submissions (2):

Labcorp Genetics (formerly Invitae), Labcorp
Classification: Uncertain significance. Last evaluated: 2026-01-26. Review status: criteria provided, single submitter. Criteria: Invitae Variant Classification Sherloc (09022015). Collection method: clinical testing. Allele origin: germline.
Comment: This sequence change replaces glutamine, which is neutral and polar, with arginine, which is basic and polar, at codon 2841 of the VPS13A protein (p.Gln2841Arg). This variant is present in population databases (rs755328181, gnomAD 0.09%). This variant has not been reported in the literature in individuals affected with VPS13A-related conditions. ClinVar contains an entry for this variant (Variation ID: 2057847). Invitae Evidence Modeling of protein sequence and biophysical properties (such as structural, functional, and spatial information, amino acid conservation, physicochemical variation, residue mobility, and thermodynamic stability) indicates that this missense variant is not expected to disrupt VPS13A protein function with a negative predictive value of 80%. In summary, the available evidence is currently insufficient to determine the role of this variant in disease. Therefore, it has been classified as a Variant of Uncertain Significance.

Ambry Genetics
Classification: Likely benign for Inborn genetic diseases. Last evaluated: 2024-11-10. Review status: criteria provided, single submitter. Criteria: Ambry Variant Classification Scheme 2023. Collection method: clinical testing. Allele origin: germline.

NM_033305.3(VPS13A):c.8522A>G (p.Gln2841Arg)

Gene: VPS13A (vacuolar protein sorting 13 homolog A; plus strand). Cytogenetic location: 9q21.2.
Variant type: single nucleotide variant.
Coding change: c.8522A>G on transcript NM_033305.3 (MANE Select); coding-DNA position 8522, A replaced by G.
Protein change: p.Gln2841Arg; replaces glutamine 2841 with arginine.
Molecular consequence: missense variant.
Genome position (GRCh38, 1-based): chr9:77,368,105, A>G. VCF-style: chr9-77368105-A-G. GRCh37 (hg19) VCF-style: chr9-79983021-A-G.
Other names: c.8405A>G, p.Gln2802Arg (NM_001018037.2); c.8522A>G, p.Gln2841Arg (NM_001018038.3, NM_015186.4); c.8522A>G (NM_033305.2); short protein forms Q2802R, Q2841R.
Identifiers: ClinVar variation 2057847 (VCV002057847.3), dbSNP rs755328181, ClinGen allele CA5093673.